The following is an entry in ClinVar:

NM_002700.3(POU4F3):c.863C>T (p.Ser288Leu)

Genes: POU4F3 (POU class 4 homeobox 3; plus strand), RBM27-POU4F3 (RBM27-POU4F3 readthrough; plus strand). Cytogenetic location: 5q32.
Variant type: single nucleotide variant.
Coding change: c.863C>T on transcript NM_002700.3 (MANE Select); coding-DNA position 863, C replaced by T.
Protein change: p.Ser288Leu; replaces serine 288 with leucine.
Molecular consequence: missense variant. On other transcripts: 3 prime UTR variant (1).
Genome position (GRCh38, 1-based): chr5:146,340,290, C>T. VCF-style: chr5-146340290-C-T. GRCh37 (hg19) VCF-style: chr5-145719853-C-T.
Other names: c.*732C>T (NM_001414499.1); short protein forms S288L.
Identifiers: ClinVar variation 2024225 (VCV002024225.4), dbSNP rs1760435497, ClinGen allele CA361622815.

ClinVar aggregate classification (germline): Uncertain significance (1 of 4 stars; one submission).

Allele frequency attached by ClinVar (database versions not stated): TOPMed below 0.00001; gnomAD exomes 0.00001.

Submission:

Labcorp Genetics (formerly Invitae), Labcorp
Classification: Uncertain significance. Last evaluated: 2022-08-15. Review status: criteria provided, single submitter. Criteria: Invitae Variant Classification Sherloc (09022015). Collection method: clinical testing. Allele origin: germline.
Comment: In summary, the available evidence is currently insufficient to determine the role of this variant in disease. Therefore, it has been classified as a Variant of Uncertain Significance. Algorithms developed to predict the effect of missense changes on protein structure and function are either unavailable or do not agree on the potential impact of this missense change (SIFT: "Deleterious"; PolyPhen-2: "Benign"; Align-GVGD: "Class C65"). This variant has not been reported in the literature in individuals affected with POU4F3-related conditions. This variant is not present in population databases (gnomAD no frequency). This sequence change replaces serine, which is neutral and polar, with leucine, which is neutral and non-polar, at codon 288 of the POU4F3 protein (p.Ser288Leu).